The following is an entry in ClinVar:

ClinVar aggregate classification (germline): Uncertain significance. Review status: criteria provided, multiple submitters, no conflicts (2 of 4 stars). 2 submissions from 2 submitters: Uncertain significance (2). Last evaluated 2025-12-17.

Allele frequency attached by ClinVar (database versions not stated): gnomAD exomes 0.00002; gnomAD 0.00014 and 0.00015; 1000 Genomes Project 30x 0.00016; TOPMed 0.00033.
gnomAD v4.1: 38 of 1,557,022 alleles (0.0024%); highest among the groups gnomAD compares: Admixed American, 0.059%; no homozygotes.

Submissions (2):

Labcorp Genetics (formerly Invitae), Labcorp
Classification: Uncertain significance. Last evaluated: 2025-12-17. Review status: criteria provided, single submitter. Criteria: Invitae Variant Classification Sherloc (09022015). Collection method: clinical testing. Allele origin: germline.
Comment: This sequence change replaces glycine, which is neutral and non-polar, with serine, which is neutral and polar, at codon 112 of the RELB protein (p.Gly112Ser). The frequency data for this variant in the population databases is considered unreliable, as metrics indicate poor data quality at this position in the gnomAD database. This variant has not been reported in the literature in individuals affected with RELB-related conditions. ClinVar contains an entry for this variant (Variation ID: 1410654). An algorithm developed to predict the effect of missense changes on protein structure and function outputs the following: PolyPhen-2: "Benign". The serine amino acid residue is found in multiple mammalian species, which suggests that this missense change does not adversely affect protein function. In summary, the available evidence is currently insufficient to determine the role of this variant in disease. Therefore, it has been classified as a Variant of Uncertain Significance.

Ambry Genetics
Classification: Uncertain significance. Last evaluated: 2021-10-06. Review status: criteria provided, single submitter. Criteria: Ambry Variant Classification Scheme 2023. Collection method: clinical testing. Allele origin: germline.

NM_006509.4(RELB):c.334G>A (p.Gly112Ser)

Gene: RELB (RELB proto-oncogene, NF-kB subunit; plus strand). Cytogenetic location: 19q13.32.
Variant type: single nucleotide variant.
Coding change: c.334G>A on transcript NM_006509.4 (MANE Select); coding-DNA position 334, G replaced by A.
Protein change: p.Gly112Ser; replaces glycine 112 with serine.
Molecular consequence: missense variant.
Genome position (GRCh38, 1-based): chr19:45,012,106, G>A. VCF-style: chr19-45012106-G-A. GRCh37 (hg19) VCF-style: chr19-45515364-G-A.
Other names: c.334G>A (NM_006509.3); short protein forms G112S.
Identifiers: ClinVar variation 1410654 (VCV001410654.7), dbSNP rs1012400631, ClinGen allele CA308929351.
Genomic context (GRCh38, chr19:45,012,106, plus strand): 5'-ACGGTCACCCTGGGCCCTGTGGCGCCCCCAGCCACGCCGCCGCCTTGGGGCTGCCCCCTG[G>A]GCCGACTAGTGTCCCCAGCGCCGGGCCCGGGCCCGCAGCCGCACCTGGTCATCACGGAGC-3'
Protein context (NP_006500.2, residues 102-122): ATPPPWGCPL[Gly112Ser]RLVSPAPGPG